The following is an entry in ClinVar:

NM_000051.4(ATM):c.6856T>C (p.Cys2286Arg)

Genes: C11orf65 (chromosome 11 open reading frame 65; minus strand), ATM (ATM serine/threonine kinase; plus strand). Cytogenetic location: 11q22.3.
Variant type: single nucleotide variant.
Coding change: c.6856T>C on transcript NM_000051.4 (MANE Select); coding-DNA position 6856, T replaced by C.
Protein change: p.Cys2286Arg; replaces cysteine 2286 with arginine.
Molecular consequence: missense variant. On other transcripts: intron variant (2).
Genome position (GRCh38, 1-based): chr11:108,326,106, T>C. VCF-style: chr11-108326106-T-C. GRCh37 (hg19) VCF-style: chr11-108196833-T-C.
Other names: c.6856T>C, p.Cys2286Arg (NM_001351834.2); c.641-17035A>G (NM_001330368.2); c.*38+9114A>G (NM_001351110.2); short protein forms C2286R.
Identifiers: ClinVar variation 1755814 (VCV001755814.2), dbSNP rs2136333668, ClinGen allele CA382556697.
Genomic context (GRCh38, chr11:108,326,106, plus strand): 5'-TTTTCATTTCAGCTCCCTGAAAGGGCAATATTTCAAATTAAACAGTACAATTCAGTTAGC[T>C]GTGGAGTCTCTGAGTGGCAGCTGGAAGAAGCACAAGTATTCTGGGCAAAAAAGGAGCAGA-3'
Protein context (NP_000042.3, residues 2276-2296): FQIKQYNSVS[Cys2286Arg]GVSEWQLEEA

ClinVar aggregate classification (germline): Uncertain significance (1 of 4 stars; one submission).

Conditions:
Hereditary cancer-predisposing syndrome. Also called: Hereditary neoplastic syndrome; Neoplastic Syndromes, Hereditary; Tumor predisposition; Hereditary Cancer Syndrome. Identifiers: Orphanet 140162, MedGen C0027672, MeSH D009386, MONDO:0015356.

Submission:

Ambry Genetics
Classification: Uncertain significance for Hereditary cancer-predisposing syndrome. Last evaluated: 2022-08-29. Review status: criteria provided, single submitter. Criteria: Ambry Variant Classification Scheme 2023. Collection method: clinical testing. Allele origin: germline.
Comment: The p.C2286R variant (also known as c.6856T>C), located in coding exon 46 of the ATM gene, results from a T to C substitution at nucleotide position 6856. The cysteine at codon 2286 is replaced by arginine, an amino acid with highly dissimilar properties. This amino acid position is conserved. In addition, this alteration is predicted to be tolerated by in silico analysis. Since supporting evidence is limited at this time, the clinical significance of this alteration remains unclear.